The following is an entry in ClinVar:

ClinVar aggregate classification (germline): Likely benign (1 of 4 stars; one submission).

gnomAD v4.1: 34 of 985,820 alleles (0.0034%); highest among the groups gnomAD compares: South Asian, 0.0047%; no homozygotes.

Submission:

CeGaT Center for Human Genetics Tuebingen
Classification: Likely benign. Last evaluated: 2025-08-01. Review status: criteria provided, single submitter. Criteria: CeGaT Center For Human Genetics Tuebingen Variant Classification Criteria Version 2. Collection method: clinical testing. Allele origin: germline. Affected: yes. Observed: 1 variant allele.
Comment: RBFOX1: BP4, BP7

NM_018723.4(RBFOX1):c.28-7856A>G

Gene: RBFOX1 (RNA binding fox-1 homolog 1; plus strand). Cytogenetic location: 16p13.3.
Variant type: single nucleotide variant.
Coding change: c.28-7856A>G on transcript NM_018723.4 (MANE Select); 7856 bases into the intron before coding-DNA position 28, A replaced by G.
Molecular consequence: intron variant. On other transcripts: synonymous variant (3).
Genome position (GRCh38, 1-based): chr16:7,510,291, A>G. VCF-style: chr16-7510291-A-G. GRCh37 (hg19) VCF-style: chr16-7560293-A-G.
Other names: c.12A>G, p.Lys4= (NM_001415902.1, NM_001415911.1, NM_001415917.1); c.625-7856A>G (NM_001415887.1, NM_001415888.1); c.28-7856A>G (NM_001364800.2, NM_001142333.2, NM_001415916.1 and 1 more transcripts); c.157-7856A>G (NM_001415895.1, NM_001415891.1, NM_001415907.1 and 5 more transcripts); c.136-7856A>G (NM_001415889.1, NM_001415898.1, NM_001415894.1 and 5 more transcripts); c.103-7856A>G (NM_001415890.1, NM_001415901.1, NM_001415899.1 and 4 more transcripts); c.88-7856A>G (NM_001415904.1, NM_001415896.1, NM_145893.3 and 4 more transcripts).
Identifiers: ClinVar variation 4084642 (VCV004084642.8).